The following is an entry in ClinVar:

ClinVar aggregate classification (germline): Benign/Likely benign. Review status: criteria provided, multiple submitters, no conflicts (2 of 4 stars). 5 submissions from 5 submitters: Benign (2); Likely benign (2). 1 of the submissions does not count toward it. Last evaluated 2026-05-21.

Conditions:
3M syndrome 1. Also called: 3-M Syndrome, CUL7-Related. Identifiers: Orphanet 2616, MedGen C2678312, MONDO:0010117, OMIM 273750.
CUL7-related disorder. Also called: CUL7-related condition.

Allele frequency attached by ClinVar (database versions not stated): ESP Exome Variant Server 0.00016; gnomAD 0.00066 and 0.00068; ExAC 0.00094; TOPMed 0.00112; 1000 Genomes Project 0.00140; 1000 Genomes Project 30x 0.00203.

Submissions (5):

Women's Health and Genetics/Laboratory Corporation of America, LabCorp
Classification: Likely benign. Last evaluated: 2026-05-21. Review status: criteria provided, single submitter. Criteria: LabCorp Variant Classification Summary - May 2015. Collection method: clinical testing. Allele origin: germline.
Comment: Variant summary: CUL7 c.1982G>A (p.Arg661Gln) results in a conservative amino acid change in the encoded protein sequence. Algorithms developed to predict the effect of missense changes on protein structure and function all suggest that this variant is likely to be tolerated. The variant allele was found at a frequency of 0.00099 in 250258 control chromosomes, predominantly at a frequency of 0.013 within the East Asian subpopulation in the gnomAD database, including 1 homozygotes. The observed variant frequency within East Asian control individuals in the gnomAD database exceeds the estimated maximal expected allele frequency for disease-causing variants in CUL7. To our knowledge, no occurrence of c.1982G>A in individuals affected with CUL7-related conditions and no experimental evidence demonstrating its impact on protein function have been reported. ClinVar contains an entry for this variant (Variation ID: 712373). Based on the evidence outlined above, the variant was classified as likely benign.

Labcorp Genetics (formerly Invitae), Labcorp
Classification: Benign. Last evaluated: 2026-01-28. Review status: criteria provided, single submitter. Criteria: Invitae Variant Classification Sherloc (09022015). Collection method: clinical testing. Allele origin: germline.

Blueprint Genetics
Classification: Likely benign. Last evaluated: 2024-07-08. Review status: criteria provided, single submitter. Criteria: ACMG Guidelines, 2015. Collection method: clinical testing. Allele origin: germline.

Illumina Laboratory Services, Illumina
Classification: Benign for 3M syndrome 1. Last evaluated: 2018-01-12. Review status: criteria provided, single submitter. Criteria: ICSL Variant Classification Criteria 13 December 2019. Collection method: clinical testing. Allele origin: germline.
Comment: This variant was observed in the ICSL laboratory as part of a predisposition screen in an ostensibly healthy population. It had not been previously curated by ICSL or reported in the Human Gene Mutation Database (HGMD: prior to June 1st, 2018), and was therefore a candidate for classification through an automated scoring system. Utilizing variant allele frequency, disease prevalence and penetrance estimates, and inheritance mode, an automated score was calculated to assess if this variant is too frequent to cause the disease. Based on the score and internal cut-off values, a variant classified as benign is not then subjected to further curation. The score for this variant resulted in a classification of benign for this disease.

PreventionGenetics, part of Exact Sciences
Classification: Benign for CUL7-related condition. Last evaluated: 2024-01-19. Review status: no assertion criteria provided. Collection method: clinical testing. Allele origin: germline. Not counted in ClinVar's aggregate classification.
Comment: This variant is classified as benign based on ACMG/AMP sequence variant interpretation guidelines (Richards et al. 2015 PMID: 25741868, with internal and published modifications).

NM_014780.5(CUL7):c.1982G>A (p.Arg661Gln)

Gene: CUL7 (cullin 7; minus strand). Cytogenetic location: 6p21.1.
Variant type: single nucleotide variant.
Coding change: c.1982G>A on transcript NM_014780.5 (MANE Select); coding-DNA position 1982, G replaced by A.
Protein change: p.Arg661Gln; replaces arginine 661 with glutamine.
Molecular consequence: missense variant.
Genome position (GRCh38, 1-based): chr6:43,048,413, C>T on the plus strand (G>A on the coding strand, the complement: CUL7 is on the minus strand). VCF-style: chr6-43048413-C-T. GRCh37 (hg19) VCF-style: chr6-43016151-C-T.
Other names: c.2078G>A, p.Arg693Gln (NM_001168370.2, NM_001374872.1); c.1982G>A, p.Arg661Gln (NM_001374873.1, NM_001374874.1); short protein forms R693Q, R661Q.
Identifiers: ClinVar variation 712373 (VCV000712373.17), dbSNP rs139887350, ClinGen allele CA3814029.